The following is an entry in ClinVar:

NM_012452.3(TNFRSF13B):c.204dup (p.Leu69fs)

Gene: TNFRSF13B (TNF receptor superfamily member 13B; minus strand). Cytogenetic location: 17p11.2.
Variant type: Duplication.
Coding change: c.204dup on transcript NM_012452.3 (MANE Select); coding-DNA position 204, one base duplicated (A; older notation c.204dupA).
Protein change: p.Leu69fs; shifts the reading frame from leucine 69.
Molecular consequence: frameshift variant.
Genome position (GRCh38, 1-based): chr17:16,948,979, T duplicated on the plus strand (A on the coding strand, the reverse complement: TNFRSF13B is on the minus strand). VCF-style (leftmost placement, unchanged base first): chr17-16948978-G-GT. GRCh37 (hg19) VCF-style: chr17-16852292-G-GT.
Other names: c.204dupA (NM_012452.2, NM_012452.3); short protein forms L69fs.
Identifiers: ClinVar variation 322029 (VCV000322029.81), dbSNP rs72553875, ClinGen allele CA8414070.
Genomic context (GRCh38, chr17:16,948,978, plus strand): 5'-AGCTGATGCAGTCCCTCAGGAGATGGTCATAGAACTTGCCTTGCTCCTTGCGGCAGCTGA[G>GT]TGACCCTGGGAGAGAGAAATTCATGATACTGCTGGGTGACACAGACTAGCAGGAACTCTG-3'

ClinVar aggregate classification (germline): Pathogenic/Likely pathogenic. Review status: criteria provided, multiple submitters, no conflicts (2 of 4 stars). 17 submissions from 16 submitters: Pathogenic (11); Likely pathogenic (3). 3 of the submissions do not count toward it. Last evaluated 2026-07-10.

Conditions:
Immunoglobulin A deficiency 2 (IGAD2). Identifiers: MedGen C1836032, MONDO:0012291, OMIM 609529.
TNFRSF13B-related disorder. Also called: TNFRSF13B-related condition.
Immunodeficiency, common variable, 2 (CVID2). Also called: ANTIBODY DEFICIENCY DUE TO TACI DEFECT; HYPOGAMMAGLOBULINEMIA DUE TO TACI DEFICIENCY. Identifiers: Orphanet 1572, MedGen C3150354, MONDO:0009413, OMIM 240500.
Hyper-IgM syndrome type 2. Also called: Hyper-IgM Immunodeficiency Syndrome, Type 2. Identifiers: Orphanet 101089, MedGen C1720956, MONDO:0011528, OMIM 605258.
Immunodeficiency, common variable, 1. Also called: ANTIBODY DEFICIENCY DUE TO ICOS DEFECT. Identifiers: Orphanet 1572, Orphanet 695183, MedGen C3149378, MONDO:0011864, OMIM 607594.

Allele frequency attached by ClinVar (database versions not stated): TOPMed 0.00030; gnomAD 0.00031; gnomAD exomes 0.00034 and 0.00041; ExAC 0.00039; ESP Exome Variant Server 0.00080.

Submissions (17):

PreventionGenetics, part of Exact Sciences
Classification: Likely pathogenic for TNFRSF13B-related condition. Last evaluated: 2026-07-10. Review status: criteria provided, single submitter. Criteria: ACMG Guidelines, 2015. Collection method: clinical testing. Allele origin: germline.
Comment: The TNFRSF13B c.204dupA variant is predicted to result in a frameshift and premature protein termination (p.Leu69Thrfs*12). This variant has been reported in either the heterozygous or compound heterozygous state in multiple individuals with either common variable immunodeficiency (CVID) or IgA deficiency (IgAD) (Castigli et al. 2005. PubMed ID: 16007086; Salzer et al. 2009. PubMed ID: 18981294; Speletas et al. 2011. PubMed ID: 21547394; Pulvirenti et al. 2016. PubMed ID: 27123465). At least one patient with this variant developed non-Hodgkin lymphoma as well as CVID (Pulvirenti et al. 2016. PubMed ID: 27123465). An in vitro experimental study using flow cytometry suggests this variant affects memory B cell isotype switching (Romberg et al. 2015. PubMed ID: 26100089). This variant is reported in 0.56% of alleles in individuals of Ashkenazi Jewish descent in gnomAD. Frameshift variants in TNFRSF13B are expected to be pathogenic. This variant is interpreted as likely pathogenic.

CeGaT Center for Human Genetics Tuebingen
Classification: Pathogenic. Last evaluated: 2026-07-01. Review status: criteria provided, single submitter. Criteria: CeGaT Center For Human Genetics Tuebingen Variant Classification Criteria Version 2. Collection method: clinical testing. Allele origin: germline. Affected: yes. Observed: 4 variant alleles.
Comment: TNFRSF13B: PVS1, PP1:Strong, PS4:Moderate, PM2:Supporting

Labcorp Genetics (formerly Invitae), Labcorp
Classification: Pathogenic for Immunodeficiency, common variable, 2. Last evaluated: 2026-01-26. Review status: criteria provided, single submitter. Criteria: Invitae Variant Classification Sherloc (09022015). Collection method: clinical testing. Allele origin: germline.
Comment: This sequence change creates a premature translational stop signal (p.Leu69Thrfs*12) in the TNFRSF13B gene. It is expected to result in an absent or disrupted protein product. Loss-of-function variants in TNFRSF13B are known to be pathogenic (PMID: 16007087, 27123465). This variant is present in population databases (rs72553875, gnomAD 0.6%). This premature translational stop signal has been observed in individuals with common variable immunodeficiency or IgA deficiency (PMID: 16007086, 17392798, 18981294, 22884984, 26046366, 26100089, 27123465). ClinVar contains an entry for this variant (Variation ID: 322029). For these reasons, this variant has been classified as Pathogenic.

3billion
Classification: Pathogenic for Immunodeficiency, common variable, 2. Last evaluated: 2026-01-01. Review status: criteria provided, single submitter. Criteria: ACMG Guidelines, 2015. Collection method: clinical testing. Allele origin: germline. Affected: yes.
Comment: The variant is observed at an extremely low frequency in the gnomAD v4.1.0 dataset (total allele frequency: 0.035%). Predicted Consequence/Location: Frameshift: predicted to result in a loss or disruption of normal protein function through nonsense-mediated decay (NMD) or protein truncation. Multiple pathogenic variants are reported downstream of the variant. The variant has been reported at least twice as pathogenic with clinical assertions and evidence for the classification (ClinVar ID: VCV000322029 /PMID: 16007086 /3billion dataset). Therefore, this variant is classified as Pathogenic according to the recommendation of ACMG/AMP guideline.

Dasa
Classification: Pathogenic. Last evaluated: 2025-10-09. Review status: criteria provided, single submitter. Criteria: DASA Assertion Criteria. Collection method: clinical testing. Allele origin: germline.
Comment: NM_012452.3(TNFRSF13B):c.204dup (p.Leu69ThrfsTer12) is a frameshift variant in TNFRSF13B predicted to alter the reading frame and introduce a premature termination codon and is predicted to result in an absent or altered protein product. Loss of function is an established disease mechanism for TNFRSF13B-associated disorders. Segregation data support an association with disease in the reported family/families (PMID: 16007086; PMID: 18981294; PMID: 26046366). This variant has been recurrently observed in individuals with TNFRSF13B-related disorders (PMID: 16007086; PMID: 18981294; PMID: 26046366). Functional evidence supports an impact on the gene or gene product (PMID: 16007086; PMID: 18981294; PMID: 26046366). Also, this variant is rare in population databases. Based on the currently available evidence, this variant is classified as pathogenic.

Genomic Medicine Center of Excellence, King Faisal Specialist Hospital and Research Centre
Classification: Likely pathogenic for Immunodeficiency, common variable, 2. Last evaluated: 2025-09-10. Review status: criteria provided, single submitter. Criteria: ACMG Guidelines, 2015. Collection method: clinical testing. Allele origin: germline.

Revvity Omics, Revvity
Classification: Pathogenic. Last evaluated: 2025-03-28. Review status: criteria provided, single submitter. Criteria: ACMG Guidelines, 2015. Collection method: clinical testing. Allele origin: germline.

GeneDx
Classification: Pathogenic. Last evaluated: 2024-11-26. Review status: criteria provided, single submitter. Criteria: GeneDx Variant Classification Process June 2021. Collection method: clinical testing. Allele origin: germline. Affected: yes.
Comment: Reported in association with both autosomal dominant and autosomal recessive forms of CVID and immunoglobulin A deficiency; however, most commonly associated with autosomal recessive inheritance (PMID: 16007086, 18981294, 21547394, 27123465); Frameshift variant predicted to result in protein truncation or nonsense mediated decay in a gene for which loss of function is a known mechanism of disease; This variant is associated with the following publications: (PMID: 26100089, 27266541, 26046366, 23956760, 18981294, 22884984, 21547394, 30090215, 16007086, 27123465)

Blueprint Genetics
Classification: Pathogenic for TNFRSF13B-related disorders. Last evaluated: 2024-10-14. Review status: criteria provided, single submitter. Criteria: ACMG Guidelines, 2015. Collection method: clinical testing. Allele origin: germline. Affected: yes. Observed: 5 variant alleles.

Genomic Medicine Lab, University of California San Francisco
Classification: Pathogenic for Hyper-IgM syndrome type 2. Last evaluated: 2023-08-06. Review status: criteria provided, single submitter. Criteria: ACMG Guidelines, 2015. Collection method: clinical testing. Allele origin: maternal. Affected: no.

Greenwood Genetic Center Diagnostic Laboratories, Greenwood Genetic Center
Classification: Pathogenic for Immunodeficiency, common variable, 2. Last evaluated: 2023-06-26. Review status: criteria provided, single submitter. Criteria: ACMG Guidelines, 2015. Collection method: clinical testing. Allele origin: germline. Affected: yes.
Comment: PVS1, PS3

Department of Pathology and Laboratory Medicine, Sinai Health System
Classification: Pathogenic for immunodeficiency, common variable, 2. Last evaluated: 2020-11-02. Review status: criteria provided, single submitter. Criteria: ACMG Guidelines, 2015. Collection method: research. Allele origin: germline.

Mendelics
Classification: Likely pathogenic for Immunodeficiency, common variable, 2. Last evaluated: 2019-05-28. Review status: criteria provided, single submitter. Criteria: Mendelics Assertion Criteria 2017. Collection method: clinical testing. Allele origin: unknown.

Center for Genomics, Ann and Robert H. Lurie Children's Hospital of Chicago
Classification: Pathogenic for Immunodeficiency, common variable, 2; Immunoglobulin A deficiency 2. Review status: criteria provided, single submitter. Criteria: ACMG Guidelines, 2015. Collection method: clinical testing. Allele origin: germline.
Comment: TNFRSF13B NM_012452.2 exon 3 p.Leu69Thrfs*12 (c.204dupA):This variant has been reported in the literature in at least 5 individuals with Common Variable Immunodeficiency (CVID) or IgA deficiency (IgAD), segregating with disease in at least 4 affected family members. This variant has also been identified in 1 individual with tonsillar hypertrophy (Castigli 2005 PMID:16007086, Castigli 2007 PMID:17392798, Salzer 2009 PMID:18981294, Speletas 2011 PMID:21547394, Freiberger 2012 PMID:22884984, Speletas 2013 PMID:23956760, Pulvirenti 2016 PMID:27123465). This variant is present in 0.5% (58/10358) of Ashkenazi Jewish alleles in the Genome Aggregation Database. Please note, disease causing variants may be present in control databases at low frequencies, reflective of the general population, carrier status, and/or variable expressivity. This variant is present in ClinVar, with several labs classifying this variant as Pathogenic or Likely Pathogenic (Variation ID: 322029). Evolutionary conservation and computational predictive tools for this variant are limited or unavailable. In addition, functional studies have shown a deleterious effect of this variant suggesting no impact to protein expression, activation responses or central B-cell tolerance in naive B cells, but decreased expression on memory B cells with subsequent impaired activation and antibody secretion (Romberg 2015 PMID:26100089). This variant is a duplication of 1 nucleotide at position 204 and creates a premature stop codon 12 amino acids downstream from this location resulting in an absent or abnormal protein. Loss of function variants are a known mechanism of disease for this gene (Romberg 2015 PMID:26100089). In summary, this variant is classified as pathogenic.

Clinic of Clinical Immunology with Stem Cell Bank, Expert Centre for Rare Diseases - PID, University Hospital "Alexandrovska"
Classification: Likely pathogenic for Immunodeficiency, common variable, 1. Last evaluated: 2022-05-01. Review status: no assertion criteria provided. Collection method: clinical testing. Allele origin: germline. Affected: yes. Not counted in ClinVar's aggregate classification.

OMIM
Classification: Pathogenic for IMMUNODEFICIENCY, COMMON VARIABLE, 2. Last evaluated: 2007-04-01. Review status: no assertion criteria provided. Collection method: literature only. Allele origin: germline. Not counted in ClinVar's aggregate classification.

OMIM
Classification: Pathogenic for IMMUNOGLOBULIN A DEFICIENCY 2. Last evaluated: 2007-04-01. Review status: no assertion criteria provided. Collection method: literature only. Allele origin: germline. Not counted in ClinVar's aggregate classification.

Literature cited by the submitters: PubMed 16007087 (cited by Labcorp Genetics (formerly Invitae), Labcorp); PubMed 27123465 (cited by Labcorp Genetics (formerly Invitae), Labcorp); PubMed 16007086 (cited by 3 submitters); PubMed 17392798 (cited by Labcorp Genetics (formerly Invitae), Labcorp and OMIM); PubMed 18981294 (cited by Labcorp Genetics (formerly Invitae), Labcorp and Dasa); PubMed 22884984 (cited by Labcorp Genetics (formerly Invitae), Labcorp); PubMed 26046366 (cited by Labcorp Genetics (formerly Invitae), Labcorp and Dasa); PubMed 26100089 (cited by Labcorp Genetics (formerly Invitae), Labcorp).